The following is an entry in ClinVar:

NM_001267550.2(TTN):c.90967A>C (p.Arg30323=)

Genes: TTN (titin; minus strand), TTN-AS1 (TTN antisense RNA 1; plus strand). Cytogenetic location: 2q31.2.
Variant type: single nucleotide variant.
Coding change: c.90967A>C on transcript NM_001267550.2 (MANE Select); coding-DNA position 90967, A replaced by C.
Protein change: p.Arg30323=; no amino-acid change (arginine 30323 retained).
Molecular consequence: synonymous variant.
Genome position (GRCh38, 1-based): chr2:178,551,933, T>G on the plus strand (A>C on the coding strand, the complement: TTN is on the minus strand). VCF-style: chr2-178551933-T-G. GRCh37 (hg19) VCF-style: chr2-179416660-T-G.
Other names: c.86044A>C, p.Arg28682= (NM_001256850.1); c.63772A>C, p.Arg21258= (NM_003319.4); c.83263A>C, p.Arg27755= (NM_133378.4); c.64147A>C, p.Arg21383= (NM_133432.3); c.64348A>C, p.Arg21450= (NM_133437.4).
Identifiers: ClinVar variation 3895280 (VCV003895280.1), dbSNP rs936488756.

ClinVar aggregate classification (germline): Likely benign (1 of 4 stars; one submission).

Submission:

Molecular Diagnostic Laboratory for Inherited Cardiovascular Disease, Montreal Heart Institute
Classification: Likely benign. Last evaluated: 2025-04-09. Review status: criteria provided, single submitter. Criteria: ACMG Guidelines, 2015. Collection method: clinical testing. Allele origin: germline. Affected: no.
Comment: BP1